The following is an entry in ClinVar:

ClinVar aggregate classification (germline): Conflicting classifications of pathogenicity. Review status: criteria provided, conflicting classifications (1 of 4 stars). 3 submissions from 3 submitters: Uncertain significance (1); Likely benign (2). Last evaluated 2026-07-21.

Conditions:
Inborn genetic diseases. Identifiers: MedGen C0950123, MeSH D030342.
KBG syndrome (KBGS). Also called: ANKRD11-Related KBG Syndrome. Identifiers: Orphanet 2332, MedGen C0220687, MONDO:0007846, OMIM 148050.

Allele frequency attached by ClinVar (database versions not stated): ExAC 0.00002; gnomAD exomes 0.00003; TOPMed 0.00002.
gnomAD v4.1: 8 of 1,614,118 alleles (0.0005%); highest among the groups gnomAD compares: Admixed American, 0.013%; no homozygotes.

Submissions (3):

Ambry Genetics
Classification: Likely benign for Inborn genetic diseases. Last evaluated: 2026-07-21. Review status: criteria provided, single submitter. Criteria: Ambry Variant Classification Scheme 2023. Collection method: clinical testing. Allele origin: germline.

Labcorp Genetics (formerly Invitae), Labcorp
Classification: Uncertain significance for KBG syndrome. Last evaluated: 2025-08-21. Review status: criteria provided, single submitter. Criteria: Invitae Variant Classification Sherloc (09022015). Collection method: clinical testing. Allele origin: germline.
Comment: This sequence change replaces asparagine, which is neutral and polar, with lysine, which is basic and polar, at codon 676 of the ANKRD11 protein (p.Asn676Lys). This variant is present in population databases (rs754370770, gnomAD 0.02%). This variant has not been reported in the literature in individuals affected with ANKRD11-related conditions. ClinVar contains an entry for this variant (Variation ID: 1189985). Invitae Evidence Modeling of protein sequence and biophysical properties (such as structural, functional, and spatial information, amino acid conservation, physicochemical variation, residue mobility, and thermodynamic stability) indicates that this missense variant is not expected to disrupt ANKRD11 protein function with a negative predictive value of 95%. In summary, the available evidence is currently insufficient to determine the role of this variant in disease. Therefore, it has been classified as a Variant of Uncertain Significance.

GeneDx
Classification: Likely benign. Last evaluated: 2021-02-25. Review status: criteria provided, single submitter. Criteria: GeneDx Variant Classification Process June 2021. Collection method: clinical testing. Allele origin: germline. Affected: yes.

NM_013275.6(ANKRD11):c.2028T>G (p.Asn676Lys)

Gene: ANKRD11 (ankyrin repeat domain 11; minus strand). Cytogenetic location: 16q24.3.
Variant type: single nucleotide variant.
Coding change: c.2028T>G on transcript NM_013275.6 (MANE Select); coding-DNA position 2028, T replaced by G.
Protein change: p.Asn676Lys; replaces asparagine 676 with lysine.
Molecular consequence: missense variant.
Genome position (GRCh38, 1-based): chr16:89,284,514, A>C on the plus strand (T>G on the coding strand, the complement: ANKRD11 is on the minus strand). VCF-style: chr16-89284514-A-C. GRCh37 (hg19) VCF-style: chr16-89350922-A-C.
Other names: c.2028T>G, p.Asn676Lys (NM_001256182.2, NM_001256183.2); c.2028T>G (NM_013275.4); short protein forms N676K.
Identifiers: ClinVar variation 1189985 (VCV001189985.8), dbSNP rs754370770, ClinGen allele CA8242644.